The following is an entry in ClinVar:

ClinVar aggregate classification (germline): Likely benign (1 of 4 stars; one submission).

Allele frequency attached by ClinVar (database versions not stated): gnomAD exomes 0.00044; ESP Exome Variant Server 0.00054; gnomAD 0.00054; TOPMed 0.00059; ExAC 0.00064.
gnomAD v4.1: 741 of 1,549,080 alleles (0.048%); highest among the groups gnomAD compares: Non-Finnish European, 0.01%; 3 homozygotes.

Submission:

CeGaT Center for Human Genetics Tuebingen
Classification: Likely benign. Last evaluated: 2024-06-01. Review status: criteria provided, single submitter. Criteria: CeGaT Center For Human Genetics Tuebingen Variant Classification Criteria Version 2. Collection method: clinical testing. Allele origin: germline. Affected: yes. Observed: 1 variant allele.
Comment: AOX1: BP4

NM_001159.4(AOX1):c.3076-4T>G

Gene: AOX1 (aldehyde oxidase 1; plus strand). Cytogenetic location: 2q33.1.
Variant type: single nucleotide variant.
Coding change: c.3076-4T>G on transcript NM_001159.4 (MANE Select); 4 bases into the intron before coding-DNA position 3076, T replaced by G.
Molecular consequence: intron variant.
Genome position (GRCh38, 1-based): chr2:200,656,838, T>G. VCF-style: chr2-200656838-T-G. GRCh37 (hg19) VCF-style: chr2-201521561-T-G.
Identifiers: ClinVar variation 3250556 (VCV003250556.18), dbSNP rs201377782.
Genomic context (GRCh38, chr2:200,656,838, plus strand): 5'-AATTGACACGATATGTGATAATATCAAAAAGATCACAGAAACAGTTTTCGTCTTTTCTGC[T>G]CAGGCTGCTGCCTTGGTTCACATTTATCTTGATGGCTCTGTGCTGGTCACTCACGGTGGA-3'